The following is an entry in ClinVar:

NM_000059.4(BRCA2):c.151G>T (p.Glu51Ter)

Gene: BRCA2 (BRCA2 DNA repair associated; plus strand). Cytogenetic location: 13q13.1.
Variant type: single nucleotide variant.
Coding change: c.151G>T on transcript NM_000059.4 (MANE Select); coding-DNA position 151, G replaced by T.
Protein change: p.Glu51Ter; replaces glutamic acid 51 with a stop codon.
Molecular consequence: nonsense.
Genome position (GRCh38, 1-based): chr13:32,319,160, G>T. VCF-style: chr13-32319160-G-T. GRCh37 (hg19) VCF-style: chr13-32893297-G-T.
Other names: short protein forms E51*.
Identifiers: ClinVar variation 2152175 (VCV002152175.4), dbSNP rs1566215788, ClinGen allele CA387754284.

ClinVar aggregate classification (germline): Pathogenic (1 of 4 stars; one submission).

Conditions:
Hereditary breast ovarian cancer syndrome. Also called: Hereditary breast and ovarian cancer syndrome; Hereditary breast and ovarian cancer; Hereditary breast and ovarian cancer syndrome (HBOC); Breast and ovarian cancer; BRCA1- and BRCA2-Associated Hereditary Breast and Ovarian Cancer; Hereditary breast and/or ovarian cancer syndrome. Identifiers: Orphanet 145, MedGen C0677776, MeSH D061325, MONDO:0003582. Disease mechanism: loss of function.

Submission:

Labcorp Genetics (formerly Invitae), Labcorp
Classification: Pathogenic for Hereditary breast ovarian cancer syndrome. Last evaluated: 2023-09-22. Review status: criteria provided, single submitter. Criteria: Invitae Variant Classification Sherloc (09022015). Collection method: clinical testing. Allele origin: germline.
Comment: This sequence change creates a premature translational stop signal (p.Glu51*) in the BRCA2 gene. It is expected to result in an absent or disrupted protein product. Loss-of-function variants in BRCA2 are known to be pathogenic (PMID: 20104584). This variant is not present in population databases (gnomAD no frequency). For these reasons, this variant has been classified as Pathogenic. ClinVar contains an entry for this variant (Variation ID: 2152175). This premature translational stop signal has been observed in individual(s) with breast cancer (PMID: 29335924).

Literature cited by the submitters: PubMed 20104584; PubMed 29335924.